The following is an entry in ClinVar:

ClinVar aggregate classification (germline): Uncertain significance (1 of 4 stars; one submission).

Conditions:
Inborn genetic diseases. Identifiers: MedGen C0950123, MeSH D030342.

Submission:

Ambry Genetics
Classification: Uncertain significance for Inborn genetic diseases. Last evaluated: 2025-12-10. Review status: criteria provided, single submitter. Criteria: Ambry Variant Classification Scheme 2023. Collection method: clinical testing. Allele origin: germline.
Comment: The p.E188K variant (also known as c.562G>A), located in coding exon 4 of the SBDS gene, results from a G to A substitution at nucleotide position 562. The glutamic acid at codon 188 is replaced by lysine, an amino acid with similar properties. This amino acid position is conserved. In addition, the in silico prediction for this alteration is inconclusive. Based on the available evidence, the clinical significance of this variant remains unclear.

NM_016038.4(SBDS):c.562G>A (p.Glu188Lys)

Gene: SBDS (SBDS ribosome maturation factor; minus strand). Cytogenetic location: 7q11.21.
Variant type: single nucleotide variant.
Coding change: c.562G>A on transcript NM_016038.4 (MANE Select); coding-DNA position 562, G replaced by A.
Protein change: p.Glu188Lys; replaces glutamic acid 188 with lysine.
Molecular consequence: missense variant.
Genome position (GRCh38, 1-based): chr7:66,991,199, C>T on the plus strand (G>A on the coding strand, the complement: SBDS is on the minus strand). VCF-style: chr7-66991199-C-T. GRCh37 (hg19) VCF-style: chr7-66456186-C-T.
Other names: short protein forms E188K.
Identifiers: ClinVar variation 4630250 (VCV004630250.1).